The following is an entry in ClinVar:

ClinVar aggregate classification (germline): Likely benign. Review status: reviewed by expert panel (3 of 4 stars). 3 submissions from 3 submitters: Likely benign (1). 2 of the submissions do not count toward it. Last evaluated 2025-10-08.

Conditions:
Open-angle glaucoma. Identifiers: MedGen C0017612, MONDO:0005338, HP:0012108.
MYOC-related disorder. Also called: MYOC-related disorders; MYOC-related condition. Identifiers: MedGen CN239330.

Allele frequency attached by ClinVar (database versions not stated): 1000 Genomes Project 30x 0.00078; 1000 Genomes Project 0.00100; gnomAD 0.00174 and 0.00192; TOPMed 0.00202; ESP Exome Variant Server 0.00231.
gnomAD v4.1: 488 of 1,614,144 alleles (0.03%); highest among the groups gnomAD compares: African/African-American, 0.58%; 3 homozygotes.

Submissions (3):

ClinGen Glaucoma Variant Curation Expert Panel
Classification: Likely benign for Open-angle glaucoma. Last evaluated: 2025-10-08. Review status: reviewed by expert panel. Criteria: ClinGen Glaucoma ACMG Specifications V2.0.0 Approved. Collection method: curation. Allele origin: germline. Inheritance: Autosomal dominant inheritance.
Comment: The c.1499A>G variant in MYOC is a missense variant predicted to cause substitution of Lysine by Arginine at amino acid 500 (p.Lys500Arg). The highest minor allele frequency of this variant was in the African/African American genetic ancestry group of gnomAD (v4.1.0) = 0.005811, which met the ≥ 0.001 threshold set for BS1 (436 alleles out of 75,032, meeting the threshold of ≥ 5 of at least 2,000 observed alleles). The REVEL score = 0.502, which was neither above nor below the thresholds for PP3 (≥ 0.644) or BP4 (≤ 0.290), predicting a damaging or benign impact on MYOC function. The Lys500Arg protein was assessed in an assay (PMID: 36579626), however, the results of this study were inconsistent and functional evidence was not included. Although probands with primary open angle glaucoma have been reported carrying this variant, PM2_Supporting was not met, therefore PS4 did not apply. In summary, this variant met the criteria to receive a score of -4 and to be classified as likely benign (likely benign classification range -2 to -6, adapted from PMID: 32720330) for primary open angle glaucoma based on the ACMG/AMP criteria met, as specified by the ClinGen Glaucoma VCEP (v2.0.0, 5 Dec 2024): BS1.

Labcorp Genetics (formerly Invitae), Labcorp
Classification: Benign. Last evaluated: 2023-10-22. Review status: criteria provided, single submitter. Criteria: Invitae Variant Classification Sherloc (09022015). Collection method: clinical testing. Allele origin: germline. Not counted in ClinVar's aggregate classification.

PreventionGenetics, part of Exact Sciences
Classification: Benign for MYOC-related condition. Last evaluated: 2019-04-26. Review status: no assertion criteria provided. Collection method: clinical testing. Allele origin: germline. Not counted in ClinVar's aggregate classification.
Comment: This variant is classified as benign based on ACMG/AMP sequence variant interpretation guidelines (Richards et al. 2015 PMID: 25741868, with internal and published modifications).

NM_000261.2(MYOC):c.1499A>G (p.Lys500Arg)

Gene: MYOC (myocilin; minus strand). Cytogenetic location: 1q24.3.
Variant type: single nucleotide variant.
Coding change: c.1499A>G on transcript NM_000261.2 (MANE Select); coding-DNA position 1499, A replaced by G.
Protein change: p.Lys500Arg; replaces lysine 500 with arginine.
Molecular consequence: missense variant.
Genome position (GRCh38, 1-based): chr1:171,635,941, T>C on the plus strand (A>G on the coding strand, the complement: MYOC is on the minus strand). VCF-style: chr1-171635941-T-C. GRCh37 (hg19) VCF-style: chr1-171605081-T-C.
Other names: NM_000261.2:c.1499A>G; c.1499A>G (NM_000261.1); short protein forms K500R.
Identifiers: ClinVar variation 1168919 (VCV001168919.11), dbSNP rs145977437, ClinGen allele CA1244011.